The following is an entry in ClinVar:

ClinVar aggregate classification (germline): Uncertain significance (1 of 4 stars; one submission).

Allele frequency attached by ClinVar (database versions not stated): TOPMed below 0.00001.
gnomAD v4.1: 1 of 1,611,990 alleles (0.000062%); highest among the groups gnomAD compares: Non-Finnish European, 0.000085%; no homozygotes.

Submission:

Labcorp Genetics (formerly Invitae), Labcorp
Classification: Uncertain significance. Last evaluated: 2021-12-29. Review status: criteria provided, single submitter. Criteria: Invitae Variant Classification Sherloc (09022015). Collection method: clinical testing. Allele origin: germline.
Comment: In summary, the available evidence is currently insufficient to determine the role of this variant in disease. Therefore, it has been classified as a Variant of Uncertain Significance. Algorithms developed to predict the effect of missense changes on protein structure and function are either unavailable or do not agree on the potential impact of this missense change (SIFT: "Deleterious"; PolyPhen-2: "Probably Damaging"; Align-GVGD: "Class C0"). This variant has not been reported in the literature in individuals affected with SORL1-related conditions. This variant is not present in population databases (gnomAD no frequency). This sequence change replaces glycine, which is neutral and non-polar, with cysteine, which is neutral and slightly polar, at codon 1227 of the SORL1 protein (p.Gly1227Cys).

NM_003105.6(SORL1):c.3679G>T (p.Gly1227Cys)

Gene: SORL1 (sortilin related receptor 1; plus strand). Cytogenetic location: 11q24.1.
Variant type: single nucleotide variant.
Coding change: c.3679G>T on transcript NM_003105.6 (MANE Select); coding-DNA position 3679, G replaced by T.
Protein change: p.Gly1227Cys; replaces glycine 1227 with cysteine.
Molecular consequence: missense variant.
Genome position (GRCh38, 1-based): chr11:121,583,556, G>T. VCF-style: chr11-121583556-G-T. GRCh37 (hg19) VCF-style: chr11-121454265-G-T.
Other names: short protein forms G1227C.
Identifiers: ClinVar variation 1967279 (VCV001967279.5), dbSNP rs1863046392, ClinGen allele CA383025981.